The following is an entry in ClinVar:

NM_000593.6(TAP1):c.1556T>C (p.Leu519Ser)

Gene: TAP1 (transporter 1, ATP binding cassette subfamily B member; minus strand). Cytogenetic location: 6p21.32.
Variant type: single nucleotide variant.
Coding change: c.1556T>C on transcript NM_000593.6 (MANE Select); coding-DNA position 1556, T replaced by C.
Protein change: p.Leu519Ser; replaces leucine 519 with serine.
Molecular consequence: missense variant.
Genome position (GRCh38, 1-based): chr6:32,848,662, A>G on the plus strand (T>C on the coding strand, the complement: TAP1 is on the minus strand). VCF-style: chr6-32848662-A-G. GRCh37 (hg19) VCF-style: chr6-32816439-A-G.
Other names: c.953T>C, p.Leu318Ser (NM_001292022.2); short protein forms L318S, L579S, L519S.
Identifiers: ClinVar variation 841075 (VCV000841075.9), dbSNP rs1770595507, ClinGen allele CA363591721.

ClinVar aggregate classification (germline): Uncertain significance (1 of 4 stars; one submission).

Conditions:
MHC class I deficiency. Identifiers: Orphanet 34592, MedGen C6024714, MONDO:0011476.

Submission:

Labcorp Genetics (formerly Invitae), Labcorp
Classification: Uncertain significance for MHC class I deficiency 1. Last evaluated: 2019-02-03. Review status: criteria provided, single submitter. Criteria: Invitae Variant Classification Sherloc (09022015). Collection method: clinical testing. Allele origin: germline.
Comment: In summary, the available evidence is currently insufficient to determine the role of this variant in disease. Therefore, it has been classified as a Variant of Uncertain Significance. Algorithms developed to predict the effect of missense changes on protein structure and function output the following: SIFT: "Tolerated"; PolyPhen-2: "Benign"; Align-GVGD: "Class C0". The serine amino acid residue is found in multiple mammalian species, suggesting that this missense change does not adversely affect protein function. These predictions have not been confirmed by published functional studies and their clinical significance is uncertain. This variant has not been reported in the literature in individuals with TAP1-related conditions. This variant is not present in population databases (ExAC no frequency). This sequence change replaces leucine with serine at codon 579 of the TAP1 protein (p.Leu579Ser). The leucine residue is weakly conserved and there is a large physicochemical difference between leucine and serine.